The following is an entry in ClinVar:

NM_001267550.2(TTN):c.71065A>G (p.Thr23689Ala)

Genes: TTN (titin; minus strand), TTN-AS1 (TTN antisense RNA 1; plus strand). Cytogenetic location: 2q31.2.
Variant type: single nucleotide variant.
Coding change: c.71065A>G on transcript NM_001267550.2 (MANE Select); coding-DNA position 71065, A replaced by G.
Protein change: p.Thr23689Ala; replaces threonine 23689 with alanine.
Molecular consequence: missense variant.
Genome position (GRCh38, 1-based): chr2:178,575,067, T>C on the plus strand (A>G on the coding strand, the complement: TTN is on the minus strand). VCF-style: chr2-178575067-T-C. GRCh37 (hg19) VCF-style: chr2-179439794-T-C.
Other names: c.66142A>G, p.Thr22048Ala (NM_001256850.1); c.43870A>G, p.Thr14624Ala (NM_003319.4); c.63361A>G, p.Thr21121Ala (NM_133378.4); c.44245A>G, p.Thr14749Ala (NM_133432.3); c.44446A>G, p.Thr14816Ala (NM_133437.4); short protein forms T14624A, T14749A, T14816A, T21121A, T22048A, T23689A.
Identifiers: ClinVar variation 1740187 (VCV001740187.2), dbSNP rs755034022, ClinGen allele CA1990683.

ClinVar aggregate classification (germline): Uncertain significance (1 of 4 stars; one submission).

Conditions:
Cardiovascular phenotype. Identifiers: MedGen CN230736.

Allele frequency attached by ClinVar (database versions not stated): gnomAD exomes below 0.00001; ExAC 0.00001.
gnomAD v4.1: 5 of 1,613,402 alleles (0.00031%); highest among the groups gnomAD compares: Non-Finnish European, 0.00042%; no homozygotes.

Submission:

Ambry Genetics
Classification: Uncertain significance for Cardiovascular phenotype. Last evaluated: 2019-10-18. Review status: criteria provided, single submitter. Criteria: Ambry Variant Classification Scheme 2023. Collection method: clinical testing. Allele origin: germline.
Comment: The p.T14624A variant (also known as c.43870A>G), located in coding exon 153 of the TTN gene, results from an A to G substitution at nucleotide position 43870. The threonine at codon 14624 is replaced by alanine, an amino acid with similar properties. This amino acid position is highly conserved in available vertebrate species. In addition, this alteration is predicted to be tolerated by in silico analysis. Since supporting evidence is limited at this time, the clinical significance of this alteration remains unclear.